The following is an entry in ClinVar:

ClinVar aggregate classification (germline): Uncertain significance. Review status: criteria provided, multiple submitters, no conflicts (2 of 4 stars). 3 submissions from 3 submitters: Uncertain significance (3). Last evaluated 2025-11-13.

Conditions:
Hereditary cancer-predisposing syndrome. Also called: Neoplastic Syndromes, Hereditary; Tumor predisposition; Hereditary neoplastic syndrome; Hereditary Cancer Syndrome. Identifiers: Orphanet 140162, MedGen C0027672, MeSH D009386, MONDO:0015356.
Familial cancer of breast. Also called: BREAST CANCER, FAMILIAL; hereditary breast carcinoma; Hereditary breast cancer. Identifiers: Orphanet 227535, MedGen C0346153, MONDO:0016419, OMIM 114480. Disease mechanism: loss of function.

Submissions (3):

Labcorp Genetics (formerly Invitae), Labcorp
Classification: Uncertain significance for Familial cancer of breast. Last evaluated: 2025-11-13. Review status: criteria provided, single submitter. Criteria: Invitae Variant Classification Sherloc (09022015). Collection method: clinical testing. Allele origin: germline.
Comment: This sequence change replaces aspartic acid, which is acidic and polar, with asparagine, which is neutral and polar, at codon 203 of the CHEK2 protein (p.Asp203Asn). This variant is not present in population databases (gnomAD no frequency). This variant has not been reported in the literature in individuals affected with CHEK2-related conditions. ClinVar contains an entry for this variant (Variation ID: 663160). An algorithm developed to predict the effect of missense changes on protein structure and function (PolyPhen-2) suggests that this variant is likely to be disruptive. In summary, the available evidence is currently insufficient to determine the role of this variant in disease. Therefore, it has been classified as a Variant of Uncertain Significance.

Baylor Genetics
Classification: Uncertain significance for Familial cancer of breast. Last evaluated: 2023-08-15. Review status: criteria provided, single submitter. Criteria: ACMG Guidelines, 2015. Collection method: clinical testing. Allele origin: unknown.

Ambry Genetics
Classification: Uncertain significance for Hereditary cancer-predisposing syndrome. Last evaluated: 2022-08-31. Review status: criteria provided, single submitter. Criteria: Ambry Variant Classification Scheme 2023. Collection method: clinical testing. Allele origin: germline.
Comment: The p.D203N variant (also known as c.607G>A), located in coding exon 4 of the CHEK2 gene, results from a G to A substitution at nucleotide position 607. The aspartic acid at codon 203 is replaced by asparagine, an amino acid with highly similar properties. This amino acid position is highly conserved in available vertebrate species. In addition, the in silico prediction for this alteration is inconclusive. Since supporting evidence is limited at this time, the clinical significance of this alteration remains unclear.

NM_007194.4(CHEK2):c.607G>A (p.Asp203Asn)

Gene: CHEK2 (checkpoint kinase 2; minus strand). Cytogenetic location: 22q12.1.
Variant type: single nucleotide variant.
Coding change: c.607G>A on transcript NM_007194.4 (MANE Select); coding-DNA position 607, G replaced by A.
Protein change: p.Asp203Asn; replaces aspartic acid 203 with asparagine.
Molecular consequence: missense variant. On other transcripts: 5 prime UTR variant (2), intron variant (1).
Genome position (GRCh38, 1-based): chr22:28,719,471, C>T on the plus strand (G>A on the coding strand, the complement: CHEK2 is on the minus strand). VCF-style: chr22-28719471-C-T. GRCh37 (hg19) VCF-style: chr22-29115459-C-T.
Other names: c.736G>A, p.Asp246Asn (NM_001005735.3, NM_001438294.1); c.-57G>A (NM_001257387.3, NM_001437942.1); c.700G>A, p.Asp234Asn (NM_001438293.1, NM_001438295.1); c.607G>A, p.Asp203Asn (NM_145862.3); c.482+5415G>A (NM_001349956.3); short protein forms D203N, D246N, D234N.
Identifiers: ClinVar variation 663160 (VCV000663160.11), dbSNP rs1601806038, ClinGen allele CA411105128.